The following is an entry in ClinVar:

ClinVar aggregate classification (germline): Uncertain significance (1 of 4 stars; one submission).

gnomAD v4.1: 1 of 1,614,032 alleles (0.000062%); highest among the groups gnomAD compares: Non-Finnish European, 0.000085%; no homozygotes.

Submission:

Labcorp Genetics (formerly Invitae), Labcorp
Classification: Uncertain significance. Last evaluated: 2024-03-28. Review status: criteria provided, single submitter. Criteria: Invitae Variant Classification Sherloc (09022015). Collection method: clinical testing. Allele origin: germline.
Comment: This sequence change replaces alanine, which is neutral and non-polar, with valine, which is neutral and non-polar, at codon 68 of the ATP1A1 protein (p.Ala68Val). This variant is not present in population databases (gnomAD no frequency). This variant has not been reported in the literature in individuals affected with ATP1A1-related conditions. Advanced modeling of protein sequence and biophysical properties (such as structural, functional, and spatial information, amino acid conservation, physicochemical variation, residue mobility, and thermodynamic stability) performed at Invitae indicates that this missense variant is not expected to disrupt ATP1A1 protein function with a negative predictive value of 80%. In summary, the available evidence is currently insufficient to determine the role of this variant in disease. Therefore, it has been classified as a Variant of Uncertain Significance.

NM_000701.8(ATP1A1):c.203C>T (p.Ala68Val)

Gene: ATP1A1 (ATPase Na+/K+ transporting subunit alpha 1; plus strand). Cytogenetic location: 1p13.1.
Variant type: single nucleotide variant.
Coding change: c.203C>T on transcript NM_000701.8 (MANE Select); coding-DNA position 203, C replaced by T.
Protein change: p.Ala68Val; replaces alanine 68 with valine.
Molecular consequence: missense variant.
Genome position (GRCh38, 1-based): chr1:116,387,307, C>T. VCF-style: chr1-116387307-C-T. GRCh37 (hg19) VCF-style: chr1-116929929-C-T.
Other names: c.203C>T, p.Ala68Val (NM_001160233.2); c.110C>T, p.Ala37Val (NM_001160234.2); short protein forms A37V, A68V.
Identifiers: ClinVar variation 3696003 (VCV003696003.2).